The following is an entry in ClinVar:

NM_001008537.3(NEXMIF):c.1111A>G (p.Ile371Val)

Gene: NEXMIF (neurite extension and migration factor; minus strand). Cytogenetic location: Xq13.3.
Variant type: single nucleotide variant.
Coding change: c.1111A>G on transcript NM_001008537.3 (MANE Select); coding-DNA position 1111, A replaced by G.
Protein change: p.Ile371Val; replaces isoleucine 371 with valine.
Molecular consequence: missense variant.
Genome position (GRCh38, 1-based): chrX:74,743,446, T>C on the plus strand (A>G on the coding strand, the complement: NEXMIF is on the minus strand). VCF-style: chrX-74743446-T-C. GRCh37 (hg19) VCF-style: chrX-73963281-T-C.
Other names: c.1111A>G (NM_001008537.1); short protein forms I371V.
Identifiers: ClinVar variation 2956696 (VCV002956696.5), dbSNP rs754165579, ClinGen allele CA10455153.
Genomic context (GRCh38, chrX:74,743,446, plus strand): 5'-CCTGTCCTTCCTCTTTGCCTTTCTTCTTGTCCAAGTTTTTATCTTCCTCCCCCCAGATGA[T>C]GCTCACATCAGGGACCTTGAATTGGGAAAAATCACTGCTCTGCTTCAGGGCCCCACTCTT-3'
Protein context (NP_001008537.1, residues 361-381): FSQFKVPDVS[Ile371Val]IWGEEDKNLD

ClinVar aggregate classification (germline): Uncertain significance. Review status: criteria provided, multiple submitters, no conflicts (2 of 4 stars). 2 submissions from 2 submitters: Uncertain significance (2). Last evaluated 2026-06-13.

Allele frequency attached by ClinVar (database versions not stated): ExAC 0.00001; TOPMed below 0.00001.

Submissions (2):

GeneDx
Classification: Uncertain significance. Last evaluated: 2026-06-13. Review status: criteria provided, single submitter. Criteria: GeneDx Variant Classification Process June 2021. Collection method: clinical testing. Allele origin: germline.
Comment: In silico analysis suggests that this missense variant does not alter protein structure/function; Has not been previously published as pathogenic or benign to our knowledge

Labcorp Genetics (formerly Invitae), Labcorp
Classification: Uncertain significance. Last evaluated: 2023-06-27. Review status: criteria provided, single submitter. Criteria: Invitae Variant Classification Sherloc (09022015). Collection method: clinical testing. Allele origin: germline.
Comment: In summary, the available evidence is currently insufficient to determine the role of this variant in disease. Therefore, it has been classified as a Variant of Uncertain Significance. Algorithms developed to predict the effect of missense changes on protein structure and function output the following: SIFT: "Not Available"; PolyPhen-2: "Benign"; Align-GVGD: "Not Available". The valine amino acid residue is found in multiple mammalian species, which suggests that this missense change does not adversely affect protein function. This variant has not been reported in the literature in individuals affected with NEXMIF-related conditions. This variant is present in population databases (rs754165579, gnomAD 0.008%). This sequence change replaces isoleucine, which is neutral and non-polar, with valine, which is neutral and non-polar, at codon 371 of the NEXMIF protein (p.Ile371Val).